The following is an entry in ClinVar:

ClinVar aggregate classification (germline): Uncertain significance (1 of 4 stars; one submission).

Conditions:
Hereditary cancer-predisposing syndrome. Also called: Neoplastic Syndromes, Hereditary; Tumor predisposition; Hereditary neoplastic syndrome; Hereditary Cancer Syndrome. Identifiers: Orphanet 140162, MedGen C0027672, MeSH D009386, MONDO:0015356.

Submission:

Ambry Genetics
Classification: Uncertain significance for Hereditary cancer-predisposing syndrome. Last evaluated: 2023-12-05. Review status: criteria provided, single submitter. Criteria: Ambry Variant Classification Scheme 2023. Collection method: clinical testing. Allele origin: germline.
Comment: The p.V198F variant (also known as c.592G>T), located in coding exon 5 of the APC gene, results from a G to T substitution at nucleotide position 592. The valine at codon 198 is replaced by phenylalanine, an amino acid with highly similar properties. This amino acid position is conserved. In addition, in silico predictors for this gene do not accurately predict pathogenicity. Since supporting evidence is limited at this time, the clinical significance of this alteration remains unclear.

NM_000038.6(APC):c.592G>T (p.Val198Phe)

Gene: APC (APC regulator of Wnt signaling pathway; plus strand). Cytogenetic location: 5q22.2.
Variant type: single nucleotide variant.
Coding change: c.592G>T on transcript NM_000038.6 (MANE Select); coding-DNA position 592, G replaced by T.
Protein change: p.Val198Phe; replaces valine 198 with phenylalanine.
Molecular consequence: missense variant. On other transcripts: 5 prime UTR variant (4), non-coding transcript variant (2).
Genome position (GRCh38, 1-based): chr5:112,780,850, G>T. VCF-style: chr5-112780850-G-T. GRCh37 (hg19) VCF-style: chr5-112116547-G-T.
Other names: c.592G>T, p.Val198Phe (NM_001127510.3, NM_001354895.2, NM_001354896.2 and 16 more transcripts); c.622G>T, p.Val208Phe (NM_001127511.3, NM_001354897.2, NM_001354902.2 and 1 more transcripts); c.517G>T, p.Val173Phe (NM_001354898.2, NM_001354904.2, NM_001407451.1); c.415G>T, p.Val139Phe (NM_001354900.2, NM_001354901.2, NM_001354905.2 and 1 more transcripts); c.-444G>T (NM_001354906.2, NM_001407470.1, NM_001407471.1 and 1 more transcripts); short protein forms V139F, V173F, V198F, V208F.
Identifiers: ClinVar variation 3230816 (VCV003230816.1), dbSNP rs1168791940, ClinGen allele CA16022632.